The following is an entry in ClinVar:

ClinVar aggregate classification (germline): Uncertain significance. Review status: criteria provided, multiple submitters, no conflicts (2 of 4 stars). 2 submissions from 2 submitters: Uncertain significance (2). Last evaluated 2023-10-05.

Conditions:
Chédiak-Higashi syndrome (CHS). Also called: Chediak-Higashi Syndrome. Identifiers: Orphanet 167, MedGen C0007965, MONDO:0008963, OMIM 214500.

gnomAD v4.1: 3 of 1,613,954 alleles (0.00019%); highest among the groups gnomAD compares: Non-Finnish European, 0.00017%; no homozygotes.

Submissions (2):

Labcorp Genetics (formerly Invitae), Labcorp
Classification: Uncertain significance for Chédiak-Higashi syndrome. Last evaluated: 2023-10-05. Review status: criteria provided, single submitter. Criteria: Invitae Variant Classification Sherloc (09022015). Collection method: clinical testing. Allele origin: germline.
Comment: This sequence change replaces proline, which is neutral and non-polar, with serine, which is neutral and polar, at codon 2771 of the LYST protein (p.Pro2771Ser). This variant is not present in population databases (gnomAD no frequency). This variant has not been reported in the literature in individuals affected with LYST-related conditions. ClinVar contains an entry for this variant (Variation ID: 1475221). Advanced modeling of protein sequence and biophysical properties (such as structural, functional, and spatial information, amino acid conservation, physicochemical variation, residue mobility, and thermodynamic stability) performed at Invitae indicates that this missense variant is not expected to disrupt LYST protein function. In summary, the available evidence is currently insufficient to determine the role of this variant in disease. Therefore, it has been classified as a Variant of Uncertain Significance.

Blueprint Genetics
Classification: Uncertain significance. Last evaluated: 2022-12-12. Review status: criteria provided, single submitter. Criteria: ACMG Guidelines, 2015. Collection method: clinical testing. Allele origin: germline.

NM_000081.4(LYST):c.8311C>T (p.Pro2771Ser)

Gene: LYST (lysosomal trafficking regulator; minus strand). Cytogenetic location: 1q42.3.
Variant type: single nucleotide variant.
Coding change: c.8311C>T on transcript NM_000081.4 (MANE Select); coding-DNA position 8311, C replaced by T.
Protein change: p.Pro2771Ser; replaces proline 2771 with serine.
Molecular consequence: missense variant.
Genome position (GRCh38, 1-based): chr1:235,741,469, G>A on the plus strand (C>T on the coding strand, the complement: LYST is on the minus strand). VCF-style: chr1-235741469-G-A. GRCh37 (hg19) VCF-style: chr1-235904769-G-A.
Other names: c.8311C>T, p.Pro2771Ser (NM_001301365.1); short protein forms P2771S.
Identifiers: ClinVar variation 1475221 (VCV001475221.4), dbSNP rs1030857469, ClinGen allele CA344923376.